The following is an entry in ClinVar:

ClinVar aggregate classification (germline): Uncertain significance (1 of 4 stars; one submission).

Conditions:
Inborn genetic diseases. Identifiers: MedGen C0950123, MeSH D030342.

Allele frequency attached by ClinVar (database versions not stated): gnomAD exomes below 0.00001; gnomAD 0.00001; TOPMed 0.00001.
gnomAD v4.1: 6 of 1,593,758 alleles (0.00038%); highest among the groups gnomAD compares: African/African-American, 0.0027%; no homozygotes.

Submission:

Ambry Genetics
Classification: Uncertain significance for Inborn genetic diseases. Last evaluated: 2020-12-28. Review status: criteria provided, single submitter. Criteria: Ambry Variant Classification Scheme 2023. Collection method: clinical testing. Allele origin: germline.
Comment: The c.1304G>A (p.R435Q) alteration is located in exon 9 (coding exon 9) of the LAMA2 gene. This alteration results from a G to A substitution at nucleotide position 1304, causing the arginine (R) at amino acid position 435 to be replaced by a glutamine (Q). The p.R435Q alteration is predicted to be tolerated by in silico analysis. Based on insufficient or conflicting evidence, the clinical significance of this alteration remains unclear.

NM_000426.4(LAMA2):c.1304G>A (p.Arg435Gln)

Gene: LAMA2 (laminin subunit alpha 2; plus strand). Cytogenetic location: 6q22.33.
Variant type: single nucleotide variant.
Coding change: c.1304G>A on transcript NM_000426.4 (MANE Select); coding-DNA position 1304, G replaced by A.
Protein change: p.Arg435Gln; replaces arginine 435 with glutamine.
Molecular consequence: missense variant.
Genome position (GRCh38, 1-based): chr6:129,165,673, G>A. VCF-style: chr6-129165673-G-A. GRCh37 (hg19) VCF-style: chr6-129486818-G-A.
Other names: c.1304G>A, p.Arg435Gln (NM_001079823.2); short protein forms R435Q.
Identifiers: ClinVar variation 2411245 (VCV002411245.2), dbSNP rs867108117, ClinGen allele CA146895595.